The following is an entry in ClinVar:

ClinVar aggregate classification (germline): Likely benign. Review status: criteria provided, multiple submitters, no conflicts (2 of 4 stars). 3 submissions from 3 submitters: Likely benign (2). 1 of the submissions does not count toward it. Last evaluated 2025-12-29.

Conditions:
MYO18B-related disorder. Also called: MYO18B-related condition.

Allele frequency attached by ClinVar (database versions not stated): gnomAD exomes 0.00013; ExAC 0.00017; ESP Exome Variant Server 0.00024.
gnomAD v4.1: 502 of 1,573,390 alleles (0.032%); highest among the groups gnomAD compares: Non-Finnish European, 0.04%; no homozygotes.

Submissions (3):

Labcorp Genetics (formerly Invitae), Labcorp
Classification: Likely benign. Last evaluated: 2025-12-29. Review status: criteria provided, single submitter. Criteria: Invitae Variant Classification Sherloc (09022015). Collection method: clinical testing. Allele origin: germline.

Blueprint Genetics
Classification: Likely benign. Last evaluated: 2024-09-03. Review status: criteria provided, single submitter. Criteria: ACMG Guidelines, 2015. Collection method: clinical testing. Allele origin: germline.

PreventionGenetics, part of Exact Sciences
Classification: Likely benign for MYO18B-related condition. Last evaluated: 2022-03-23. Review status: no assertion criteria provided. Collection method: clinical testing. Allele origin: germline. Not counted in ClinVar's aggregate classification.
Comment: This variant is classified as likely benign based on ACMG/AMP sequence variant interpretation guidelines (Richards et al. 2015 PMID: 25741868, with internal and published modifications).

NM_032608.7(MYO18B):c.1458C>T (p.Asp486=)

Gene: MYO18B (myosin XVIIIB; plus strand). Cytogenetic location: 22q12.1.
Variant type: single nucleotide variant.
Coding change: c.1458C>T on transcript NM_032608.7 (MANE Select); coding-DNA position 1458, C replaced by T.
Protein change: p.Asp486=; no amino-acid change (aspartic acid 486 retained).
Molecular consequence: synonymous variant.
Genome position (GRCh38, 1-based): chr22:25,769,374, C>T. VCF-style: chr22-25769374-C-T. GRCh37 (hg19) VCF-style: chr22-26165341-C-T.
Other names: c.1458C>T, p.Asp486= (NM_001318245.2); c.1458C>T (NM_032608.6).
Identifiers: ClinVar variation 1548948 (VCV001548948.11), dbSNP rs375798351, ClinGen allele CA10159825.